The following is an entry in ClinVar:

ClinVar aggregate classification (germline): Likely pathogenic. Review status: criteria provided, multiple submitters, no conflicts (2 of 4 stars). 2 submissions from 2 submitters: Likely pathogenic (2). Last evaluated 2024-07-08.

Conditions:
Intellectual developmental disorder with autism and macrocephaly. Also called: Autism, susceptibility to, 18; CHD8-Related Neurodevelopmental Disorder with Overgrowth. Identifiers: Orphanet 642675, MedGen C3554373, MONDO:0014017, OMIM 615032.

Submissions (2):

Laboratorio de Genetica e Diagnostico Molecular, Hospital Israelita Albert Einstein
Classification: Likely pathogenic for Intellectual developmental disorder with autism and macrocephaly. Last evaluated: 2024-07-08. Review status: criteria provided, single submitter. Criteria: ACMG Guidelines, 2015. Collection method: clinical testing. Allele origin: germline. Affected: yes.
Comment: ACMG classification criteria: PVS1 very strong, PM2 supporting

MVZ Martinsried, Medicover Genetics
Classification: Likely pathogenic for Intellectual developmental disorder with autism and macrocephaly. Last evaluated: 2017-11-27. Review status: criteria provided, single submitter. Criteria: ACMG Guidelines, 2015. Collection method: clinical testing. Allele origin: unknown. Affected: yes.

NM_001170629.2(CHD8):c.4611del (p.Lys1537_Val1538insTer)

Gene: CHD8 (chromodomain helicase DNA binding protein 8; minus strand). Cytogenetic location: 14q11.2.
Variant type: Deletion.
Coding change: c.4611del on transcript NM_001170629.2 (MANE Select); coding-DNA position 4611, one base deleted (A; older notation c.4611delA).
Protein change: p.Lys1537_Val1538insTer.
Molecular consequence: frameshift variant.
Genome position (GRCh38, 1-based): chr14:21,400,267, T deleted on the plus strand (A on the coding strand, the reverse complement: CHD8 is on the minus strand); the first of 7 consecutive T bases (chr14:21,400,267-21,400,273); deleting any one gives the same sequence. VCF-style (leftmost placement, unchanged base first): chr14-21400266-CT-C. GRCh37 (hg19) VCF-style: chr14-21868425-CT-C.
Other names: c.3774del, p.Lys1258_Val1259insTer (NM_020920.4); c.4611delA (NM_001170629.1).
Identifiers: ClinVar variation 520408 (VCV000520408.3), dbSNP rs1555314317, ClinGen allele CA658798164.